The following is an entry in ClinVar:

ClinVar aggregate classification (germline): Uncertain significance (1 of 4 stars; one submission).

Conditions:
Cardiovascular phenotype. Identifiers: MedGen CN230736.

Submission:

Ambry Genetics
Classification: Uncertain significance for Cardiovascular phenotype. Last evaluated: 2025-09-28. Review status: criteria provided, single submitter. Criteria: Ambry Variant Classification Scheme 2023. Collection method: clinical testing. Allele origin: germline.
Comment: The p.A101S variant (also known as c.301G>T), located in coding exon 4 of the TRPM4 gene, results from a G to T substitution at nucleotide position 301. The alanine at codon 101 is replaced by serine, an amino acid with similar properties. This amino acid position is conserved. In addition, this alteration is predicted to be tolerated by in silico analysis. Based on the available evidence, the clinical significance of this variant remains unclear.

NM_017636.4(TRPM4):c.301G>T (p.Ala101Ser)

Gene: TRPM4 (transient receptor potential cation channel subfamily M member 4; plus strand). Cytogenetic location: 19q13.33.
Variant type: single nucleotide variant.
Coding change: c.301G>T on transcript NM_017636.4 (MANE Select); coding-DNA position 301, G replaced by T.
Protein change: p.Ala101Ser; replaces alanine 101 with serine.
Molecular consequence: missense variant. On other transcripts: intron variant (4).
Genome position (GRCh38, 1-based): chr19:49,167,950, G>T. VCF-style: chr19-49167950-G-T. GRCh37 (hg19) VCF-style: chr19-49671207-G-T.
Other names: c.301G>T, p.Ala101Ser (NM_001195227.2); c.-1105-310G>T (NM_001321282.2); c.268-603G>T (NM_001321281.2); c.-74-310G>T (NM_001321283.2); c.-237-603G>T (NM_001321285.2); short protein forms A101S.
Identifiers: ClinVar variation 4615263 (VCV004615263.1).